The following is an entry in ClinVar:

NM_001351132.2(PEX5):c.669C>T (p.Gly223=)

Gene: PEX5 (peroxisomal biogenesis factor 5; plus strand). Cytogenetic location: 12p13.31.
Variant type: single nucleotide variant.
Coding change: c.669C>T on transcript NM_001351132.2 (MANE Select); coding-DNA position 669, C replaced by T.
Protein change: p.Gly223=; no amino-acid change (glycine 223 retained).
Molecular consequence: synonymous variant. On other transcripts: intron variant (15).
Genome position (GRCh38, 1-based): chr12:7,202,267, C>T. VCF-style: chr12-7202267-C-T. GRCh37 (hg19) VCF-style: chr12-7354863-C-T.
Other names: c.669C>T, p.Gly223= (NM_000319.5, NM_001131025.2, NM_001131026.2 and 6 more transcripts); c.714C>T, p.Gly238= (NM_001131023.2); c.643-345C>T (NM_001351124.3, NM_001351126.2, NM_001374646.1 and 10 more transcripts); c.688-345C>T (NM_001351135.3, NM_001351138.2).
Identifiers: ClinVar variation 1906190 (VCV001906190.30), dbSNP rs201966442, ClinGen allele CA6426233.

ClinVar aggregate classification (germline): Likely benign. Review status: criteria provided, multiple submitters, no conflicts (2 of 4 stars). 3 submissions from 3 submitters: Likely benign (3). Last evaluated 2025-01-22.

Conditions:
Peroxisome biogenesis disorder 2B (PBD2B). Identifiers: Orphanet 44, MedGen C3550234, MONDO:0008736, OMIM 202370.

Allele frequency attached by ClinVar (database versions not stated): TOPMed below 0.00001; gnomAD exomes 0.00001; ExAC 0.00002; gnomAD 0.00002; 1000 Genomes Project 30x 0.00031; 1000 Genomes Project 0.00040.
gnomAD v4.1: 19 of 1,613,996 alleles (0.0012%); highest among the groups gnomAD compares: African/African-American, 0.0067%; no homozygotes.

Submissions (3):

Labcorp Genetics (formerly Invitae), Labcorp
Classification: Likely benign for Peroxisome biogenesis disorder 2B. Last evaluated: 2025-01-22. Review status: criteria provided, single submitter. Criteria: Invitae Variant Classification Sherloc (09022015). Collection method: clinical testing. Allele origin: germline.

CeGaT Center for Human Genetics Tuebingen
Classification: Likely benign. Last evaluated: 2023-01-01. Review status: criteria provided, single submitter. Criteria: CeGaT Center For Human Genetics Tuebingen Variant Classification Criteria Version 2. Collection method: clinical testing. Allele origin: germline. Affected: yes. Observed: 1 variant allele.
Comment: PEX5: BP4, BP7

Blueprint Genetics
Classification: Likely benign. Last evaluated: 2022-11-30. Review status: criteria provided, single submitter. Criteria: ACMG Guidelines, 2015. Collection method: clinical testing. Allele origin: germline.